The following is an entry in ClinVar:

ClinVar aggregate classification (germline): Pathogenic. Review status: reviewed by expert panel (3 of 4 stars). 6 submissions from 6 submitters: Pathogenic (1). 5 of the submissions do not count toward it. Last evaluated 2016-09-08.

Conditions:
Hereditary cancer-predisposing syndrome. Also called: Tumor predisposition; Hereditary Cancer Syndrome; Neoplastic Syndromes, Hereditary; Hereditary neoplastic syndrome. Identifiers: Orphanet 140162, MedGen C0027672, MeSH D009386, MONDO:0015356.
Hereditary breast ovarian cancer syndrome. Also called: Hereditary breast and/or ovarian cancer syndrome; BRCA1- and BRCA2-Associated Hereditary Breast and Ovarian Cancer; Hereditary breast and ovarian cancer; Hereditary breast and ovarian cancer syndrome (HBOC); Breast and ovarian cancer; Hereditary breast and ovarian cancer syndrome. Identifiers: Orphanet 145, MedGen C0677776, MeSH D061325, MONDO:0003582. Disease mechanism: loss of function.
Breast-ovarian cancer, familial, susceptibility to, 2 (BROVCA2). Also called: BRCA2 Hereditary Breast and Ovarian Cancer. Identifiers: Orphanet 145, MedGen C2675520, MONDO:0012933, OMIM 612555. Disease mechanism: loss of function.

Submissions (6):

Evidence-based Network for the Interpretation of Germline Mutant Alleles (ENIGMA)
Classification: Pathogenic for Breast-ovarian cancer, familial, susceptibility to, 2. Last evaluated: 2016-09-08. Review status: reviewed by expert panel. Criteria: ENIGMA BRCA1/2 Classification Criteria (2015). Collection method: curation. Allele origin: germline.
Comment: Variant allele predicted to encode a truncated non-functional protein.

Labcorp Genetics (formerly Invitae), Labcorp
Classification: Pathogenic for Hereditary breast ovarian cancer syndrome. Last evaluated: 2025-03-26. Review status: criteria provided, single submitter. Criteria: Invitae Variant Classification Sherloc (09022015). Collection method: clinical testing. Allele origin: germline. Not counted in ClinVar's aggregate classification.
Comment: This sequence change creates a premature translational stop signal (p.Lys2715*) in the BRCA2 gene. It is expected to result in an absent or disrupted protein product. Loss-of-function variants in BRCA2 are known to be pathogenic (PMID: 20104584). This variant is not present in population databases (gnomAD no frequency). This premature translational stop signal has been observed in individual(s) with clinical features of BRCA2-related conditions (PMID: 21520333). ClinVar contains an entry for this variant (Variation ID: 216032). For these reasons, this variant has been classified as Pathogenic.

Ambry Genetics
Classification: Pathogenic for Hereditary cancer-predisposing syndrome. Last evaluated: 2021-11-05. Review status: criteria provided, single submitter. Criteria: Ambry Variant Classification Scheme 2023. Collection method: clinical testing. Allele origin: germline. Not counted in ClinVar's aggregate classification.
Comment: The p.K2715* pathogenic mutation (also known as c.8143A>T), located in coding exon 17 of the BRCA2 gene, results from an A to T substitution at nucleotide position 8143. This changes the amino acid from a lysine to a stop codon within coding exon 17. This variant is considered to be rare based on population cohorts in the Genome Aggregation Database (gnomAD). This alteration is expected to result in loss of function by premature protein truncation or nonsense-mediated mRNA decay. As such, this alteration is interpreted as a disease-causing mutation.

Quest Diagnostics Nichols Institute San Juan Capistrano
Classification: Pathogenic. Last evaluated: 2020-07-28. Review status: criteria provided, single submitter. Criteria: Quest Diagnostics criteria. Collection method: clinical testing. Allele origin: unknown. Not counted in ClinVar's aggregate classification.
Comment: The variant creates a premature nonsense codon, and is therefore predicted to result in the loss of a functional protein. Not found in general population data.

Counsyl
Classification: Likely pathogenic for Breast-ovarian cancer, familial, susceptibility to, 2. Last evaluated: 2016-05-27. Review status: no assertion criteria provided. Collection method: clinical testing. Allele origin: unknown. Not counted in ClinVar's aggregate classification.

Sharing Clinical Reports Project (SCRP)
Classification: Pathogenic for Breast-ovarian cancer, familial 2. Last evaluated: 2011-03-14. Review status: no assertion criteria provided. Collection method: clinical testing. Allele origin: germline. Not counted in ClinVar's aggregate classification.

Literature cited by the submitters: PubMed 20104584 (cited by Labcorp Genetics (formerly Invitae), Labcorp); PubMed 21520333 (cited by Labcorp Genetics (formerly Invitae), Labcorp).

NM_000059.4(BRCA2):c.8143A>T (p.Lys2715Ter)

Gene: BRCA2 (BRCA2 DNA repair associated; plus strand). Cytogenetic location: 13q13.1.
Variant type: single nucleotide variant.
Coding change: c.8143A>T on transcript NM_000059.4 (MANE Select); coding-DNA position 8143, A replaced by T.
Protein change: p.Lys2715Ter; replaces lysine 2715 with a stop codon.
Molecular consequence: nonsense.
Genome position (GRCh38, 1-based): chr13:32,363,345, A>T. VCF-style: chr13-32363345-A-T. GRCh37 (hg19) VCF-style: chr13-32937482-A-T.
Other names: 8371A>T; short protein forms K2715*.
Identifiers: ClinVar variation 216032 (VCV000216032.19), dbSNP rs863224469, ClinGen allele CA339029.
Genomic context (GRCh38, chr13:32,363,345, plus strand): 5'-TCATTGAGCGCAAATATATCTGAAACTTCTAGCAATAAAACTAGTAGTGCAGATACCCAA[A>T]AAGTGGCCATTATTGAACTTACAGATGGGTGGTATGCTGTTAAGGCCCAGTTAGATCCTC-3'